The following is an entry in ClinVar:

ClinVar aggregate classification (germline): Conflicting classifications of pathogenicity. Review status: criteria provided, conflicting classifications (1 of 4 stars). 3 submissions from 3 submitters: Uncertain significance (1); Likely benign (2). Last evaluated 2026-07-01.

Allele frequency attached by ClinVar (database versions not stated): 1000 Genomes Project 30x 0.00031; ESP Exome Variant Server 0.00038; 1000 Genomes Project 0.00040; gnomAD 0.00046 and 0.00053; TOPMed 0.00046; ExAC 0.00076; gnomAD exomes 0.00077.
gnomAD v4.1: 674 of 1,614,124 alleles (0.042%); highest among the groups gnomAD compares: Middle Eastern, 0.26%; 4 homozygotes.

Submissions (3):

CeGaT Center for Human Genetics Tuebingen
Classification: Likely benign. Last evaluated: 2026-07-01. Review status: criteria provided, single submitter. Criteria: CeGaT Center For Human Genetics Tuebingen Variant Classification Criteria Version 2. Collection method: clinical testing. Allele origin: germline. Affected: yes. Observed: 2 variant alleles.
Comment: ATXN2: BP4, BP7, BS1

Blueprint Genetics
Classification: Likely benign. Last evaluated: 2024-11-25. Review status: criteria provided, single submitter. Criteria: ACMG Guidelines, 2015. Collection method: clinical testing. Allele origin: germline.

Breakthrough Genomics
Classification: Uncertain significance. Review status: criteria provided, single submitter. Criteria: ACMG Guidelines, 2015. Collection method: not provided. Allele origin: germline. Inheritance: Autosomal recessive inheritance. Affected: yes.

NM_001372574.1(ATXN2):c.3348C>T (p.Pro1116=)

Gene: ATXN2 (ataxin 2; minus strand). Cytogenetic location: 12q24.12.
Variant type: single nucleotide variant.
Coding change: c.3348C>T on transcript NM_001372574.1 (MANE Select); coding-DNA position 3348, C replaced by T.
Protein change: p.Pro1116=; no amino-acid change (proline 1116 retained).
Molecular consequence: synonymous variant. On other transcripts: non-coding transcript variant (1).
Genome position (GRCh38, 1-based): chr12:111,453,768, G>A on the plus strand (C>T on the coding strand, the complement: ATXN2 is on the minus strand). VCF-style: chr12-111453768-G-A. GRCh37 (hg19) VCF-style: chr12-111891572-G-A.
Other names: c.3102C>T, p.Pro1034= (NM_001310121.1); c.2901C>T, p.Pro967= (NM_001310123.1); c.3342C>T, p.Pro1114= (NM_002973.4).
Identifiers: ClinVar variation 806945 (VCV000806945.44), dbSNP rs367732782, ClinGen allele CA6790154.
Genomic context (GRCh38, chr12:111,453,768, plus strand): 5'-TGTTGTCGAGACTGGAATGGGCTGTAGTGCACTTTGAGCGAGGGCGGCCTGGGGACCGCC[G>A]GGTGGCTGTGTCGTCATTAGCATCATTGGCGCATGGGCAGTTGGATGAGAAGGAACCATT-3'
Protein context (NP_001359503.1, residues 1106-1126): APMMLMTTQP[Pro1116=]GGPQAALAQS